The following is an entry in ClinVar:

ClinVar aggregate classification (germline): Benign/Likely benign. Review status: criteria provided, multiple submitters, no conflicts (2 of 4 stars). 12 submissions from 7 submitters: Benign (7); Likely benign (2). 3 of the submissions do not count toward it. Last evaluated 2026-01-14.

Conditions:
Charcot-Marie-Tooth disease axonal type 2C (HMSN2C). Also called: Charcot-Marie-Tooth Disease Type 2, TRPV4-Related (CMT2C); CHARCOT-MARIE-TOOTH DISEASE, AXONAL, AUTOSOMAL DOMINANT, TYPE 2C; Charcot-Marie-Tooth Neuropathy Type 2C. Identifiers: Orphanet 99937, MedGen C1853710, MONDO:0011633, OMIM 606071.
Metatropic dysplasia (MTD). Also called: Metatropic Dysplasia, TRPV4-Related; Metatropic dysplasia, nonlethal dominant; METATROPIC DWARFISM. Identifiers: Orphanet 2635, MedGen C0265281, MONDO:0007986, OMIM 156530.
Scapuloperoneal spinal muscular atrophy (SPSMA). Also called: Scapuloperoneal Spinal Muscular Atrophy, TRPV4-Related; AMYOTROPHY, NEUROGENIC SCAPULOPERONEAL, NEW ENGLAND TYPE; Scapuloperoneal Form of Spinal Muscular Atrophy; Scapuloperoneal spinal muscular atrophy, autosomal dominant. Identifiers: Orphanet 431255, MedGen C0751335, MONDO:0008408, OMIM 181405.
Brachyrachia (short spine dysplasia) (BCYM3). Also called: Brachyolmia, TRPV4-Related; Brachyolmia Type 3; BRACHYRACHIA; Autosomal dominant brachyolmia. Identifiers: Orphanet 93304, MedGen C0432227, MONDO:0007232, OMIM 113500.
Neuronopathy, distal hereditary motor, autosomal dominant 8. Also called: SPINAL MUSCULAR ATROPHY, CONGENITAL BENIGN, WITH CONTRACTURES; NEURONOPATHY, DISTAL HEREDITARY MOTOR, TYPE VIII; NEUROPATHY, DISTAL HEREDITARY MOTOR, TYPE VIII; Autosomal dominant congenital benign spinal muscular atrophy. Identifiers: Orphanet 1216, MedGen C1838492, MONDO:0010839, OMIM 600175.
Spondylometaphyseal dysplasia, Kozlowski type (SMDK). Also called: Spondylometaphyseal Dysplasia, TRPV4-Related (Kozlowski Type); Dysmorphism arthrogryposis skeletal maturation advanced; Jequier-Kozlowski syndrome; Skeletal dysplasia Jequier-Kozlowski type; SMD Kozlowski type. Identifiers: Orphanet 93314, MedGen C0265280, MONDO:0008477, OMIM 184252.

Allele frequency attached by ClinVar (database versions not stated): TOPMed 0.00029; gnomAD 0.00020 and 0.00023; 1000 Genomes Project 0.00060; 1000 Genomes Project 30x 0.00062.
gnomAD v4.1: 354 of 1,590,298 alleles (0.022%); highest among the groups gnomAD compares: South Asian, 0.091%; 1 homozygote.

Submissions (12):

Labcorp Genetics (formerly Invitae), Labcorp
Classification: Benign for Charcot-Marie-Tooth disease axonal type 2C. Last evaluated: 2026-01-14. Review status: criteria provided, single submitter. Criteria: Invitae Variant Classification Sherloc (09022015). Collection method: clinical testing. Allele origin: germline.

Blueprint Genetics
Classification: Benign. Last evaluated: 2024-10-08. Review status: criteria provided, single submitter. Criteria: ACMG Guidelines, 2015. Collection method: clinical testing. Allele origin: germline.

GeneDx
Classification: Likely benign. Last evaluated: 2018-05-11. Review status: criteria provided, single submitter. Criteria: GeneDx Variant Classification Process June 2021. Collection method: clinical testing. Allele origin: germline. Affected: yes.

Illumina Laboratory Services, Illumina
Classification: Benign for Metatropic dysplasia. Last evaluated: 2018-01-13. Review status: criteria provided, single submitter. Criteria: ICSL Variant Classification Criteria 13 December 2019. Collection method: clinical testing. Allele origin: germline.
Comment: This variant was observed in the ICSL laboratory as part of a predisposition screen in an ostensibly healthy population. It had not been previously curated by ICSL or reported in the Human Gene Mutation Database (HGMD: prior to June 1st, 2018), and was therefore a candidate for classification through an automated scoring system. Utilizing variant allele frequency, disease prevalence and penetrance estimates, and inheritance mode, an automated score was calculated to assess if this variant is too frequent to cause the disease. Based on the score and internal cut-off values, a variant classified as benign is not then subjected to further curation. The score for this variant resulted in a classification of benign for this disease.

Illumina Laboratory Services, Illumina
Classification: Benign for Spondylometaphyseal dysplasia, Kozlowski type. Last evaluated: 2018-01-13. Review status: criteria provided, single submitter. Criteria: ICSL Variant Classification Criteria 13 December 2019. Collection method: clinical testing. Allele origin: germline.
Comment: the same text as in the submission from Illumina Laboratory Services, Illumina above.

Illumina Laboratory Services, Illumina
Classification: Likely benign for Charcot-Marie-Tooth disease axonal type 2C. Last evaluated: 2018-01-13. Review status: criteria provided, single submitter. Criteria: ICSL Variant Classification Criteria 13 December 2019. Collection method: clinical testing. Allele origin: germline.
Comment: This variant was observed in the ICSL laboratory as part of a predisposition screen in an ostensibly healthy population. It had not been previously curated by ICSL or reported in the Human Gene Mutation Database (HGMD: prior to June 1st, 2018), and was therefore a candidate for classification through an automated scoring system. Utilizing variant allele frequency, disease prevalence and penetrance estimates, and inheritance mode, an automated score was calculated to assess if this variant is too frequent to cause the disease. Based on the score and internal cut-off values, a variant classified as likely benign is not then subjected to further curation. The score for this variant resulted in a classification of likely benign for this disease.

Illumina Laboratory Services, Illumina
Classification: Benign for Brachyrachia (short spine dysplasia). Last evaluated: 2018-01-13. Review status: criteria provided, single submitter. Criteria: ICSL Variant Classification Criteria 13 December 2019. Collection method: clinical testing. Allele origin: germline.
Comment: the same text as in the submission from Illumina Laboratory Services, Illumina above.

Illumina Laboratory Services, Illumina
Classification: Benign for Scapuloperoneal spinal muscular atrophy. Last evaluated: 2018-01-13. Review status: criteria provided, single submitter. Criteria: ICSL Variant Classification Criteria 13 December 2019. Collection method: clinical testing. Allele origin: germline.
Comment: the same text as in the submission from Illumina Laboratory Services, Illumina above.

Illumina Laboratory Services, Illumina
Classification: Benign for Neuronopathy, distal hereditary motor, autosomal dominant 8. Last evaluated: 2018-01-13. Review status: criteria provided, single submitter. Criteria: ICSL Variant Classification Criteria 13 December 2019. Collection method: clinical testing. Allele origin: germline.
Comment: the same text as in the submission from Illumina Laboratory Services, Illumina above.

Clinical Genetics, Academic Medical Center
Classification: Benign. Review status: no assertion criteria provided. Collection method: clinical testing. Allele origin: germline. Affected: yes. Study: VKGL Data-share Consensus. Not counted in ClinVar's aggregate classification.

Genome Diagnostics Laboratory, University Medical Center Utrecht
Classification: Likely benign. Review status: no assertion criteria provided. Collection method: clinical testing. Allele origin: germline. Affected: yes. Study: VKGL Data-share Consensus. Not counted in ClinVar's aggregate classification.

Joint Genome Diagnostic Labs from Nijmegen and Maastricht, Radboudumc and MUMC+
Classification: Likely benign. Review status: no assertion criteria provided. Collection method: clinical testing. Allele origin: germline. Affected: yes. Study: VKGL Data-share Consensus. Not counted in ClinVar's aggregate classification.

NM_021625.5(TRPV4):c.1584+13C>T

Gene: TRPV4 (transient receptor potential cation channel subfamily V member 4; minus strand). Cytogenetic location: 12q24.11.
Variant type: single nucleotide variant.
Coding change: c.1584+13C>T on transcript NM_021625.5 (MANE Select); 13 bases into the intron after coding-DNA position 1584, C replaced by T.
Molecular consequence: intron variant.
Genome position (GRCh38, 1-based): chr12:109,793,917, G>A on the plus strand (C>T on the coding strand, the complement: TRPV4 is on the minus strand). VCF-style: chr12-109793917-G-A. GRCh37 (hg19) VCF-style: chr12-110231722-G-A.
Other names: c.1443+13C>T (NM_001177428.1); c.1404+13C>T (NM_147204.2); c.1482+13C>T (NM_001177431.1); c.1263+13C>T (NM_001177433.1).
Identifiers: ClinVar variation 307129 (VCV000307129.17), dbSNP rs199712027, ClinGen allele CA6780178.
Genomic context (GRCh38, chr12:109,793,917, plus strand): 5'-AGGGAGAGAAAAGAGGTGCAGGAAGAGAAGAGGAGGGCAGGCAGGGTGGGGGGCACGGGG[G>A]CCAGGCACTTACGTTGGTGAAGAAGAACAGGACCCCAGTGAAGAGCGTAATGACCTCGCC-3'